The following is an entry in ClinVar:

NM_000245.4(MET):c.1966-9C>T

Gene: MET (MET proto-oncogene, receptor tyrosine kinase; plus strand). Cytogenetic location: 7q31.2.
Variant type: single nucleotide variant.
Coding change: c.1966-9C>T on transcript NM_000245.4 (MANE Select); 9 bases into the intron before coding-DNA position 1966, C replaced by T.
Molecular consequence: intron variant.
Genome position (GRCh38, 1-based): chr7:116,757,629, C>T. VCF-style: chr7-116757629-C-T. GRCh37 (hg19) VCF-style: chr7-116397683-C-T.
Other names: c.1966-9C>T (NM_001127500.3, NM_001324401.3, NM_001127500.2); c.676-9C>T (NM_001324402.2).
Identifiers: ClinVar variation 765266 (VCV000765266.10), dbSNP rs750268644, ClinGen allele CA4448347.
Genomic context (GRCh38, chr7:116,757,629, plus strand): 5'-ATTTTTACTTAATCTATTTAAATTATAAGATGAACAAGTTACTTTGTTTTGTTTTTATCT[C>T]CCCTCCAGGATCCTGTAATAACAAGTATTTCGCCGAAATACGGTCCTATGGCTGGTGGCA-3'

ClinVar aggregate classification (germline): Likely benign. Review status: criteria provided, multiple submitters, no conflicts (2 of 4 stars). 3 submissions from 3 submitters: Likely benign (3). Last evaluated 2025-10-27.

Conditions:
Renal cell carcinoma. Identifiers: Orphanet 217071, MedGen C0007134, MeSH D002292, MONDO:0005086, HP:0005584.
MET-related disorder. Also called: MET-related condition.
Papillary renal cell carcinoma type 1 (RCCP1). Also called: RENAL CELL CARCINOMA, PAPILLARY, 1, SOMATIC; Renal adenocarcinoma; Renal cell carcinoma 1; Renal cell carcinoma, somatic. Identifiers: Orphanet 47044, MedGen C1336839, OMIM 605074, HP:0011797.

Allele frequency attached by ClinVar (database versions not stated): TOPMed below 0.00001; ExAC 0.00001; gnomAD exomes 0.00001.
gnomAD v4.1: 3 of 1,613,874 alleles (0.00019%); highest among the groups gnomAD compares: Admixed American, 0.0017%; no homozygotes.

Submissions (3):

PreventionGenetics, part of Exact Sciences
Classification: Likely benign for MET-related condition. Last evaluated: 2025-10-27. Review status: criteria provided, single submitter. Criteria: ACMG Guidelines, 2015. Collection method: clinical testing. Allele origin: germline.
Comment: This variant is classified as likely benign based on ACMG/AMP sequence variant interpretation guidelines (Richards et al. 2015 PMID: 25741868, with internal and published modifications).

Labcorp Genetics (formerly Invitae), Labcorp
Classification: Likely benign for Renal cell carcinoma. Last evaluated: 2025-09-16. Review status: criteria provided, single submitter. Criteria: Invitae Variant Classification Sherloc (09022015). Collection method: clinical testing. Allele origin: germline.

Myriad Genetics, Inc.
Classification: Likely benign for Papillary renal cell carcinoma type 1. Last evaluated: 2024-11-08. Review status: criteria provided, single submitter. Criteria: Myriad Autosomal Dominant, Autosomal Recessive and X-Linked Classification Criteria (2023). Collection method: clinical testing. Allele origin: unknown.
Comment: This variant is considered likely benign. This variant is intronic and is not expected to impact mRNA splicing.